The following is an entry in ClinVar:

ClinVar aggregate classification (germline): Likely pathogenic (1 of 4 stars; one submission).

Conditions:
Leydig cell agenesis. Also called: LEYDIG CELL HYPOPLASIA WITH MALE PSEUDOHERMAPHRODITISM; LEYDIG CELL HYPOPLASIA, COMPLETE; HYPERGONADOTROPIC HYPOGONADISM, MALE, DUE TO LHCGR DEFECT; Leydig cell hypoplasia, type 1. Identifiers: MedGen C0266432, MONDO:0009384, OMIM 238320.

Submission:

Victorian Clinical Genetics Services, Murdoch Childrens Research Institute
Classification: Likely pathogenic for Leydig cell agenesis. Last evaluated: 2026-04-07. Review status: criteria provided, single submitter. Criteria: ACMG Guidelines, 2015. Collection method: clinical testing. Allele origin: germline. Affected: yes.
Comment: This variant is classified as Likely pathogenic. Evidence in support of pathogenic classification: Variant is absent from gnomAD (v2, v3 and v4). Additional information: Variant is predicted to result in a missense amino acid change from Ala to Val; This variant is heterozygous; This gene is associated with both recessive and dominant disease. Variants associated with the autosomal dominant condition are mostly located within the sixth transmembrane domain and C-terminal region of the third intracellular loop (PMID: 11041448); This variant has no previous evidence of pathogenicity; No published evidence of segregation with disease has been identified for this variant; No published functional evidence has been identified for this variant; No comparable missense variants have previous evidence for pathogenicity; Variant is located in the annotated 7 transmembrane receptor (rhodopsin family) domain (DECIPHER); Missense variant with inconclusive in silico prediction and uninformative conservation; Loss of function and gain of function are known mechanisms of disease in this gene and are associated with Leydig cell hypoplasia, type I (MONDO:0009384) and precocious puberty, male-limited (MIM#176410), respectively (PMID: 11041448); Heterozygous variant detected in trans with a second LIKELY PATHOGENIC heterozygous variant (NM_000233.4(LHCGR):c.398C>G; p.(Thr133Arg)) in a recessive disease.

Literature cited by the submitters: PubMed 11041448.

NM_000233.4(LHCGR):c.1493C>T (p.Ala498Val)

Genes: LHCGR (luteinizing hormone/choriogonadotropin receptor; minus strand), STON1-GTF2A1L (STON1-GTF2A1L readthrough; plus strand). Cytogenetic location: 2p16.3.
Variant type: single nucleotide variant.
Coding change: c.1493C>T on transcript NM_000233.4 (MANE Select); coding-DNA position 1493, C replaced by T.
Protein change: p.Ala498Val; replaces alanine 498 with valine.
Molecular consequence: missense variant. On other transcripts: intron variant (1).
Genome position (GRCh38, 1-based): chr2:48,688,304, G>A on the plus strand (C>T on the coding strand, the complement: LHCGR is on the minus strand). VCF-style: chr2-48688304-G-A. GRCh37 (hg19) VCF-style: chr2-48915443-G-A.
Other names: c.3441+16624G>A (NM_001198593.2); short protein forms A498V.
Identifiers: ClinVar variation 4531863 (VCV004531863.2).